The following is an entry in ClinVar:

NM_001242896.3(DEPDC5):c.1952C>A (p.Pro651Gln)

Gene: DEPDC5 (DEP domain containing 5, GATOR1 subcomplex subunit; plus strand). Cytogenetic location: 22q12.3.
Variant type: single nucleotide variant.
Coding change: c.1952C>A on transcript NM_001242896.3 (MANE Select); coding-DNA position 1952, C replaced by A.
Protein change: p.Pro651Gln; replaces proline 651 with glutamine.
Molecular consequence: missense variant. On other transcripts: non-coding transcript variant (4), intron variant (3).
Genome position (GRCh38, 1-based): chr22:31,821,583, C>A. VCF-style: chr22-31821583-C-A. GRCh37 (hg19) VCF-style: chr22-32217569-C-A.
Other names: c.1952C>A, p.Pro651Gln (NM_001136029.4, NM_001363852.2, NM_001364318.2 and 3 more transcripts); c.1868C>A, p.Pro623Gln (NM_001369901.1, NM_001369902.1); c.1870+2358C>A (NM_001363854.2, NM_001242897.2, NM_001364319.2); short protein forms P623Q, P651Q.
Identifiers: ClinVar variation 1024641 (VCV001024641.8), dbSNP rs768683931, ClinGen allele CA411282006.
Genomic context (GRCh38, chr22:31,821,583, plus strand): 5'-AGATCCACCACCAGACCCGACAGAATATGGCGGAGCTACAAGGCAGCGGGCAGAGGGATC[C>A]AACTCACTCCTCTGCAGAGCTGCTGGAGTTAGCATATCATGAAGCTGCTGGAAGGTGAGG-3'
Protein context (NP_001229825.1, residues 641-661): AELQGSGQRD[Pro651Gln]THSSAELLEL

ClinVar aggregate classification (germline): Uncertain significance (1 of 4 stars; one submission).

Conditions:
Familial focal epilepsy with variable foci (FPEVF). Identifiers: Orphanet 98820, MedGen C1858477, MONDO:0020310.

Submission:

Labcorp Genetics (formerly Invitae), Labcorp
Classification: Uncertain significance for Familial focal epilepsy with variable foci. Last evaluated: 2025-11-08. Review status: criteria provided, single submitter. Criteria: Invitae Variant Classification Sherloc (09022015). Collection method: clinical testing. Allele origin: germline.
Comment: This sequence change replaces proline, which is neutral and non-polar, with glutamine, which is neutral and polar, at codon 651 of the DEPDC5 protein (p.Pro651Gln). This variant is not present in population databases (gnomAD no frequency). This variant has not been reported in the literature in individuals affected with DEPDC5-related conditions. ClinVar contains an entry for this variant (Variation ID: 1024641). Experimental studies and prediction algorithms are not available or were not evaluated, and the functional significance of this variant is currently unknown. In summary, the available evidence is currently insufficient to determine the role of this variant in disease. Therefore, it has been classified as a Variant of Uncertain Significance.